The following is an entry in ClinVar:

NM_001190274.2(FBXO11):c.1797G>A (p.Val599=)

Gene: FBXO11 (F-box protein 11; minus strand). Cytogenetic location: 2p16.3.
Variant type: single nucleotide variant.
Coding change: c.1797G>A on transcript NM_001190274.2 (MANE Select); coding-DNA position 1797, G replaced by A.
Protein change: p.Val599=; no amino-acid change (valine 599 retained).
Molecular consequence: synonymous variant.
Genome position (GRCh38, 1-based): chr2:47,820,362, C>T on the plus strand (G>A on the coding strand, the complement: FBXO11 is on the minus strand). VCF-style: chr2-47820362-C-T. GRCh37 (hg19) VCF-style: chr2-48047501-C-T.
Other names: c.1545G>A, p.Val515= (NM_001374325.1, NM_025133.4).
Identifiers: ClinVar variation 3359697 (VCV003359697.1).

ClinVar aggregate classification (germline): Likely pathogenic (1 of 4 stars; one submission).

Submission:

GeneDx
Classification: Likely pathogenic. Last evaluated: 2023-06-09. Review status: criteria provided, single submitter. Criteria: GeneDx Variant Classification Process June 2021. Collection method: clinical testing. Allele origin: germline. Affected: yes.
Comment: Alters the last nucleotide of the exon and is predicted to destroy the splice donor site and result in aberrant splicing, although in the absence of functional evidence the actual effect of this sequence change is unknown; Not observed at significant frequency in large population cohorts (gnomAD); Has not been previously published as pathogenic or benign to our knowledge